The following is an entry in ClinVar:

ClinVar aggregate classification (germline): Uncertain significance. Review status: criteria provided, multiple submitters, no conflicts (2 of 4 stars). 2 submissions from 2 submitters: Uncertain significance (2). Last evaluated 2025-11-24.

Conditions:
Inborn genetic diseases. Identifiers: MedGen C0950123, MeSH D030342.

Allele frequency attached by ClinVar (database versions not stated): TOPMed below 0.00001; gnomAD 0.00001; gnomAD exomes 0.00001; ExAC 0.00002; ESP Exome Variant Server 0.00008.
gnomAD v4.1: 11 of 1,612,888 alleles (0.00068%); highest among the groups gnomAD compares: East Asian, 0.0022%; no homozygotes.

Submissions (2):

Ambry Genetics
Classification: Uncertain significance for Inborn genetic diseases. Last evaluated: 2025-11-24. Review status: criteria provided, single submitter. Criteria: Ambry Variant Classification Scheme 2023. Collection method: clinical testing. Allele origin: germline.

Labcorp Genetics (formerly Invitae), Labcorp
Classification: Uncertain significance. Last evaluated: 2022-01-16. Review status: criteria provided, single submitter. Criteria: Invitae Variant Classification Sherloc (09022015). Collection method: clinical testing. Allele origin: germline.
Comment: In summary, the available evidence is currently insufficient to determine the role of this variant in disease. Therefore, it has been classified as a Variant of Uncertain Significance. Algorithms developed to predict the effect of missense changes on protein structure and function (SIFT, PolyPhen-2, Align-GVGD) all suggest that this variant is likely to be tolerated. This variant has not been reported in the literature in individuals affected with GPSM2-related conditions. This variant is present in population databases (rs142353979, gnomAD 0.006%). This sequence change replaces arginine, which is basic and polar, with glutamine, which is neutral and polar, at codon 474 of the GPSM2 protein (p.Arg474Gln).

NM_013296.5(GPSM2):c.1421G>A (p.Arg474Gln)

Gene: GPSM2 (G protein signaling modulator 2; plus strand). Cytogenetic location: 1p13.3.
Variant type: single nucleotide variant.
Coding change: c.1421G>A on transcript NM_013296.5 (MANE Select); coding-DNA position 1421, G replaced by A.
Protein change: p.Arg474Gln; replaces arginine 474 with glutamine.
Molecular consequence: missense variant.
Genome position (GRCh38, 1-based): chr1:108,918,770, G>A. VCF-style: chr1-108918770-G-A. GRCh37 (hg19) VCF-style: chr1-109461392-G-A.
Other names: c.1421G>A, p.Arg474Gln (NM_001321038.2, NM_001321039.3); c.1421G>A (NM_013296.4); short protein forms R474Q.
Identifiers: ClinVar variation 2090474 (VCV002090474.5), dbSNP rs142353979, ClinGen allele CA983050.